The following is an entry in ClinVar:

ClinVar aggregate classification (germline): Uncertain significance (1 of 4 stars; one submission).

Conditions:
Inborn genetic diseases. Identifiers: MedGen C0950123, MeSH D030342.

gnomAD v4.1: 1 of 1,614,032 alleles (0.000062%); highest among the groups gnomAD compares: South Asian, 0.0011%; no homozygotes.

Submission:

Ambry Genetics
Classification: Uncertain significance for Inborn genetic diseases. Last evaluated: 2024-05-30. Review status: criteria provided, single submitter. Criteria: Ambry Variant Classification Scheme 2023. Collection method: clinical testing. Allele origin: germline.
Comment: The p.R2143L variant (also known as c.6428G>T), located in coding exon 44 of the LRRK2 gene, results from a G to T substitution at nucleotide position 6428. The arginine at codon 2143 is replaced by leucine, an amino acid with dissimilar properties. This amino acid position is conserved. In addition, this alteration is predicted to be tolerated by in silico analysis. Based on the available evidence, the clinical significance of this variant remains unclear.

NM_198578.4(LRRK2):c.6428G>T (p.Arg2143Leu)

Gene: LRRK2 (leucine rich repeat kinase 2; plus strand). Cytogenetic location: 12q12.
Variant type: single nucleotide variant.
Coding change: c.6428G>T on transcript NM_198578.4 (MANE Select); coding-DNA position 6428, G replaced by T.
Protein change: p.Arg2143Leu; replaces arginine 2143 with leucine.
Molecular consequence: missense variant.
Genome position (GRCh38, 1-based): chr12:40,351,585, G>T. VCF-style: chr12-40351585-G-T. GRCh37 (hg19) VCF-style: chr12-40745387-G-T.
Other names: short protein forms R2143L.
Identifiers: ClinVar variation 3292043 (VCV003292043.1).